The following is an entry in ClinVar:

NM_177438.3(DICER1):c.448A>C (p.Met150Leu)

Gene: DICER1 (dicer 1, ribonuclease III; minus strand). Cytogenetic location: 14q32.13.
Variant type: single nucleotide variant.
Coding change: c.448A>C on transcript NM_177438.3 (MANE Select); coding-DNA position 448, A replaced by C.
Protein change: p.Met150Leu; replaces methionine 150 with leucine.
Molecular consequence: missense variant. On other transcripts: 5 prime UTR variant (1), non-coding transcript variant (6), intron variant (1).
Genome position (GRCh38, 1-based): chr14:95,130,183, T>G on the plus strand (A>C on the coding strand, the complement: DICER1 is on the minus strand). VCF-style: chr14-95130183-T-G. GRCh37 (hg19) VCF-style: chr14-95596520-T-G.
Other names: c.448A>C, p.Met150Leu (NM_001195573.1, NM_001271282.3, NM_001291628.2 and 14 more transcripts); c.166A>C, p.Met56Leu (NM_001395686.1); c.43A>C, p.Met15Leu (NM_001395687.1, NM_001395688.1, NM_001395689.1 and 3 more transcripts); c.-1121A>C (NM_001395697.1); c.-20-100A>C (NM_001395691.1); short protein forms M56L, M15L, M150L.
Identifiers: ClinVar variation 4011660 (VCV004011660.1).

ClinVar aggregate classification (germline): Uncertain significance (1 of 4 stars; one submission).

Conditions:
Hereditary cancer-predisposing syndrome. Also called: Tumor predisposition; Hereditary neoplastic syndrome; Neoplastic Syndromes, Hereditary; Hereditary Cancer Syndrome. Identifiers: Orphanet 140162, MedGen C0027672, MeSH D009386, MONDO:0015356.

Submission:

Ambry Genetics
Classification: Uncertain significance for Hereditary cancer-predisposing syndrome. Last evaluated: 2025-05-16. Review status: criteria provided, single submitter. Criteria: Ambry Variant Classification Scheme 2023. Collection method: clinical testing. Allele origin: germline.
Comment: The p.M150L variant (also known as c.448A>C), located in coding exon 4 of the DICER1 gene, results from an A to C substitution at nucleotide position 448. The methionine at codon 150 is replaced by leucine, an amino acid with highly similar properties. This amino acid position is conserved. In addition, the in silico prediction for this alteration is inconclusive. Based on the available evidence, the clinical significance of this variant remains unclear.